The following is an entry in ClinVar:

ClinVar aggregate classification (germline): Conflicting classifications of pathogenicity. Review status: criteria provided, conflicting classifications (1 of 4 stars). 3 submissions from 3 submitters: Uncertain significance (2); Likely benign (1). Last evaluated 2023-03-23.

Conditions:
Hereditary cancer-predisposing syndrome. Also called: Tumor predisposition; Hereditary neoplastic syndrome; Neoplastic Syndromes, Hereditary; Hereditary Cancer Syndrome. Identifiers: Orphanet 140162, MedGen C0027672, MeSH D009386, MONDO:0015356.
Hereditary breast ovarian cancer syndrome. Also called: Hereditary breast and ovarian cancer; Breast and ovarian cancer; Hereditary breast and ovarian cancer syndrome (HBOC); Hereditary breast and/or ovarian cancer syndrome; Hereditary breast and ovarian cancer syndrome; BRCA1- and BRCA2-Associated Hereditary Breast and Ovarian Cancer. Identifiers: Orphanet 145, MedGen C0677776, MeSH D061325, MONDO:0003582. Disease mechanism: loss of function.

gnomAD v4.1: 1 of 1,596,296 alleles (0.000063%); highest among the groups gnomAD compares: Non-Finnish European, 0.000085%; no homozygotes.

Submissions (3):

University of Washington Department of Laboratory Medicine, University of Washington
Classification: Likely benign for Hereditary cancer-predisposing syndrome. Last evaluated: 2023-03-23. Review status: criteria provided, single submitter. Criteria: Dines et al. (Genet Med. 2020). Collection method: curation. Allele origin: germline.
Comment: Missense variant in a coldspot region where missense variants are very unlikely to be pathogenic (PMID:31911673).

BRCA2 exon 11 coldspot. Reclassification based on statistical prior probability.

Labcorp Genetics (formerly Invitae), Labcorp
Classification: Uncertain significance for Hereditary breast ovarian cancer syndrome. Last evaluated: 2022-04-03. Review status: criteria provided, single submitter. Criteria: Invitae Variant Classification Sherloc (09022015). Collection method: clinical testing. Allele origin: germline.
Comment: In summary, the available evidence is currently insufficient to determine the role of this variant in disease. Therefore, it has been classified as a Variant of Uncertain Significance. Advanced modeling of protein sequence and biophysical properties (such as structural, functional, and spatial information, amino acid conservation, physicochemical variation, residue mobility, and thermodynamic stability) performed at Invitae indicates that this missense variant is not expected to disrupt BRCA2 protein function. ClinVar contains an entry for this variant (Variation ID: 135801). This variant has not been reported in the literature in individuals affected with BRCA2-related conditions. This variant is not present in population databases (gnomAD no frequency). This sequence change replaces serine, which is neutral and polar, with threonine, which is neutral and polar, at codon 1682 of the BRCA2 protein (p.Ser1682Thr).

Ambry Genetics
Classification: Uncertain significance for Hereditary cancer-predisposing syndrome. Last evaluated: 2021-06-18. Review status: criteria provided, single submitter. Criteria: Ambry Variant Classification Scheme 2023. Collection method: clinical testing. Allele origin: germline.
Comment: The p.S1682T variant (also known as c.5045G>C), located in coding exon 10 of the BRCA2 gene, results from a G to C substitution at nucleotide position 5045. The serine at codon 1682 is replaced by threonine, an amino acid with similar properties. This amino acid position is not well conserved in available vertebrate species. In addition, the in silico prediction for this alteration is inconclusive. Since supporting evidence is limited at this time, the clinical significance of this alteration remains unclear.

NM_000059.4(BRCA2):c.5045G>C (p.Ser1682Thr)

Gene: BRCA2 (BRCA2 DNA repair associated; plus strand). Cytogenetic location: 13q13.1.
Variant type: single nucleotide variant.
Coding change: c.5045G>C on transcript NM_000059.4 (MANE Select); coding-DNA position 5045, G replaced by C.
Protein change: p.Ser1682Thr; replaces serine 1682 with threonine.
Molecular consequence: missense variant.
Genome position (GRCh38, 1-based): chr13:32,339,400, G>C. VCF-style: chr13-32339400-G-C. GRCh37 (hg19) VCF-style: chr13-32913537-G-C.
Other names: short protein forms S1682T.
Identifiers: ClinVar variation 135801 (VCV000135801.11), dbSNP rs41293493, ClinGen allele CA021177.
Genomic context (GRCh38, chr13:32,339,400, plus strand): 5'-CAGTCATTGAAAATTCAGCCTTAGCTTTTTACACAAGTTGTAGTAGAAAAACTTCTGTGA[G>C]TCAGACTTCATTACTTGAAGCAAAAAAATGGCTTAGAGAAGGAATATTTGATGGTCAACC-3'
Protein context (NP_000050.3, residues 1672-1692): YTSCSRKTSV[Ser1682Thr]QTSLLEAKKW